The following is an entry in ClinVar:

NM_005172.2(ATOH1):c.294G>T (p.Glu98Asp)

Gene: ATOH1 (atonal bHLH transcription factor 1; plus strand). Cytogenetic location: 4q22.2.
Variant type: single nucleotide variant.
Coding change: c.294G>T on transcript NM_005172.2 (MANE Select); coding-DNA position 294, G replaced by T.
Protein change: p.Glu98Asp; replaces glutamic acid 98 with aspartic acid.
Molecular consequence: missense variant.
Genome position (GRCh38, 1-based): chr4:93,829,220, G>T. VCF-style: chr4-93829220-G-T. GRCh37 (hg19) VCF-style: chr4-94750371-G-T.
Other names: short protein forms E98D.
Identifiers: ClinVar variation 4977026 (VCV004977026.1).

ClinVar aggregate classification (germline): Likely benign (1 of 4 stars; one submission).

Conditions:
ATOH1-related disorder. Also called: ATOH1-related condition.

gnomAD v4.1: 391 of 1,586,054 alleles (0.025%); highest among the groups gnomAD compares: Non-Finnish European, 0.026%; no homozygotes.

Submission:

PreventionGenetics, part of Exact Sciences
Classification: Likely benign for ATOH1-related condition. Last evaluated: 2025-04-05. Review status: criteria provided, single submitter. Criteria: ACMG Guidelines, 2015. Collection method: clinical testing. Allele origin: germline.
Comment: This variant is classified as likely benign based on ACMG/AMP sequence variant interpretation guidelines (Richards et al. 2015 PMID: 25741868, with internal and published modifications).